The following is an entry in ClinVar:

NM_001017995.3(SH3PXD2B):c.901G>A (p.Asp301Asn)

Gene: SH3PXD2B (SH3 and PX domains 2B; minus strand). Cytogenetic location: 5q35.1.
Variant type: single nucleotide variant.
Coding change: c.901G>A on transcript NM_001017995.3 (MANE Select); coding-DNA position 901, G replaced by A.
Protein change: p.Asp301Asn; replaces aspartic acid 301 with asparagine.
Molecular consequence: missense variant.
Genome position (GRCh38, 1-based): chr5:172,350,474, C>T on the plus strand (G>A on the coding strand, the complement: SH3PXD2B is on the minus strand). VCF-style: chr5-172350474-C-T. GRCh37 (hg19) VCF-style: chr5-171777478-C-T.
Other names: c.901G>A, p.Asp301Asn (NM_001308175.2); short protein forms D301N.
Identifiers: ClinVar variation 1060004 (VCV001060004.9), dbSNP rs745483057, ClinGen allele CA3561388.

ClinVar aggregate classification (germline): Uncertain significance (1 of 4 stars; one submission).

Allele frequency attached by ClinVar (database versions not stated): gnomAD exomes below 0.00001 and 0.00002; ExAC 0.00002.
gnomAD v4.1: 2 of 1,614,166 alleles (0.00012%); highest among the groups gnomAD compares: East Asian, 0.0045%; no homozygotes.

Submission:

Labcorp Genetics (formerly Invitae), Labcorp
Classification: Uncertain significance. Last evaluated: 2022-11-28. Review status: criteria provided, single submitter. Criteria: Invitae Variant Classification Sherloc (09022015). Collection method: clinical testing. Allele origin: germline.
Comment: This sequence change replaces aspartic acid, which is acidic and polar, with asparagine, which is neutral and polar, at codon 301 of the SH3PXD2B protein (p.Asp301Asn). This variant is present in population databases (rs745483057, gnomAD 0.02%). In summary, the available evidence is currently insufficient to determine the role of this variant in disease. Therefore, it has been classified as a Variant of Uncertain Significance. Algorithms developed to predict the effect of missense changes on protein structure and function are either unavailable or do not agree on the potential impact of this missense change (SIFT: "Deleterious"; PolyPhen-2: "Probably Damaging"; Align-GVGD: "Class C15"). ClinVar contains an entry for this variant (Variation ID: 1060004). This variant has not been reported in the literature in individuals affected with SH3PXD2B-related conditions.